The following is an entry in ClinVar:

ClinVar aggregate classification (germline): Conflicting classifications of pathogenicity. Review status: criteria provided, conflicting classifications (1 of 4 stars). 4 submissions from 4 submitters: Uncertain significance (3); Likely benign (1). Last evaluated 2024-09-23.

Conditions:
Hereditary cancer-predisposing syndrome. Also called: Neoplastic Syndromes, Hereditary; Hereditary Cancer Syndrome; Tumor predisposition; Hereditary neoplastic syndrome. Identifiers: Orphanet 140162, MedGen C0027672, MeSH D009386, MONDO:0015356.
Familial adenomatous polyposis 1 (FAP1). Also called: POLYPOSIS, ADENOMATOUS INTESTINAL; FAMILIAL ADENOMATOUS POLYPOSIS 1, ATTENUATED. Identifiers: MedGen C2713442, MONDO:0021056, OMIM 175100. Disease mechanism: loss of function.
Classic or attenuated familial adenomatous polyposis. Identifiers: MedGen CN372698, MONDO:0021057.

Allele frequency attached by ClinVar (database versions not stated): gnomAD exomes below 0.00001.
gnomAD v4.1: 1 of 1,613,874 alleles (0.000062%); highest among the groups gnomAD compares: Non-Finnish European, 0.000085%; no homozygotes.

Submissions (4):

All of Us Research Program, National Institutes of Health
Classification: Uncertain significance for Classic or attenuated familial adenomatous polyposis. Last evaluated: 2024-09-23. Review status: criteria provided, single submitter. Criteria: ACMG Guidelines, 2015. Collection method: clinical testing. Allele origin: germline. Inheritance: Autosomal dominant inheritance. Observed: 1 variant allele, 1 heterozygote.
Comment: This missense variant replaces isoleucine with methionine at codon 2321 of the APC protein. Computational prediction suggests that this variant may not impact protein structure and function (internally defined REVEL score threshold <= 0.5, PMID: 27666373). To our knowledge, functional studies have not been reported for this variant. This variant has not been reported in individuals affected with hereditary cancer in the literature. This variant has not been identified in the general population by the Genome Aggregation Database (gnomAD). The available evidence is insufficient to determine the role of this variant in disease conclusively. Therefore, this variant is classified as a Variant of Uncertain Significance.

This study involves interpretation of variants in research participants for the purpose of population health screening. Participant phenotype was not available at the time of variant classification. Additional details can be found in publication PMID: 35346344, PMCID: PMC8962531

Color Diagnostics, LLC DBA Color Health
Classification: Uncertain significance for Hereditary cancer-predisposing syndrome. Last evaluated: 2024-03-06. Review status: criteria provided, single submitter. Criteria: ACMG Guidelines, 2015. Collection method: clinical testing. Allele origin: germline.
Comment: This missense variant replaces isoleucine with methionine at codon 2321 of the APC protein. Computational prediction suggests that this variant may not impact protein structure and function (internally defined REVEL score threshold <= 0.5, PMID: 27666373). To our knowledge, functional studies have not been reported for this variant. This variant has not been reported in individuals affected with hereditary cancer in the literature. This variant has not been identified in the general population by the Genome Aggregation Database (gnomAD). The available evidence is insufficient to determine the role of this variant in disease conclusively. Therefore, this variant is classified as a Variant of Uncertain Significance.

Labcorp Genetics (formerly Invitae), Labcorp
Classification: Uncertain significance for Familial adenomatous polyposis 1. Last evaluated: 2024-02-07. Review status: criteria provided, single submitter. Criteria: Invitae Variant Classification Sherloc (09022015). Collection method: clinical testing. Allele origin: germline.
Comment: This sequence change replaces isoleucine, which is neutral and non-polar, with methionine, which is neutral and non-polar, at codon 2321 of the APC protein (p.Ile2321Met). This variant is not present in population databases (gnomAD no frequency). This variant has not been reported in the literature in individuals affected with APC-related conditions. ClinVar contains an entry for this variant (Variation ID: 573421). Advanced modeling of protein sequence and biophysical properties (such as structural, functional, and spatial information, amino acid conservation, physicochemical variation, residue mobility, and thermodynamic stability) performed at Invitae indicates that this missense variant is not expected to disrupt APC protein function with a negative predictive value of 95%. In summary, the available evidence is currently insufficient to determine the role of this variant in disease. Therefore, it has been classified as a Variant of Uncertain Significance.

Ambry Genetics
Classification: Likely benign for Hereditary cancer-predisposing syndrome. Last evaluated: 2023-05-19. Review status: criteria provided, single submitter. Criteria: Ambry Variant Classification Scheme 2023. Collection method: clinical testing. Allele origin: germline.

NM_000038.6(APC):c.6963A>G (p.Ile2321Met)

Gene: APC (APC regulator of Wnt signaling pathway; plus strand). Cytogenetic location: 5q22.2.
Variant type: single nucleotide variant.
Coding change: c.6963A>G on transcript NM_000038.6 (MANE Select); coding-DNA position 6963, A replaced by G.
Protein change: p.Ile2321Met; replaces isoleucine 2321 with methionine.
Molecular consequence: missense variant.
Genome position (GRCh38, 1-based): chr5:112,842,557, A>G. VCF-style: chr5-112842557-A-G. GRCh37 (hg19) VCF-style: chr5-112178254-A-G.
Other names: c.6963A>G, p.Ile2321Met (NM_001127510.3, NM_001354895.2); c.6909A>G, p.Ile2303Met (NM_001127511.3); c.7017A>G, p.Ile2339Met (NM_001354896.2); c.6993A>G, p.Ile2331Met (NM_001354897.2); c.6888A>G, p.Ile2296Met (NM_001354898.2); c.6879A>G, p.Ile2293Met (NM_001354899.2); c.6840A>G, p.Ile2280Met (NM_001354900.2); c.6786A>G, p.Ile2262Met (NM_001354901.2); and 5 more; short protein forms I2321M, I2303M, I2161M, I2262M, I2296M, I2220M, I2293M, I2331M.
Identifiers: ClinVar variation 573421 (VCV000573421.14), dbSNP rs1561611578, ClinGen allele CA16036517.